The following is an entry in ClinVar:

NM_000419.5(ITGA2B):c.408+11C>A

Genes: ITGA2B (integrin subunit alpha 2b; minus strand), LOC130060983 (ATAC-STARR-seq lymphoblastoid active region 12261; plus strand). Cytogenetic location: 17q21.31.
Variant type: single nucleotide variant.
Coding change: c.408+11C>A on transcript NM_000419.5 (MANE Select); 11 bases into the intron after coding-DNA position 408, C replaced by A.
Molecular consequence: intron variant.
Genome position (GRCh38, 1-based): chr17:44,385,813, G>T on the plus strand (C>A on the coding strand, the complement: ITGA2B is on the minus strand). VCF-style: chr17-44385813-G-T. GRCh37 (hg19) VCF-style: chr17-42463181-G-T.
Other names: NM_000419.5:c.408+11C>A.
Identifiers: ClinVar variation 1691456 (VCV001691456.3), dbSNP rs768343439, ClinGen allele CA915940333.
Genomic context (GRCh38, chr17:44,385,813, plus strand): 5'-ACTTGGGCTCCTCCTGGCCCCAGGTGTCCCTGCCCCCGATTGTTCCCTGTGCCCTGTACC[G>T]CGGGGCCCACCACAATGACGTCGCTCCAGCTGACGACCGACGCCCCCAGTCCTTGGCGGG-3'

ClinVar aggregate classification (germline): Uncertain significance (3 of 4 stars; one submission).

Conditions:
Glanzmann thrombasthenia. Also called: PLATELET GLYCOPROTEIN IIb-IIIa DEFICIENCY; Glanzmann's thrombasthenia; BLEEDING DISORDER, PLATELET-TYPE, 2; THROMBASTHENIA OF GLANZMANN AND NAEGELI; Thrombasthenia. Identifiers: Orphanet 849, MedGen C0040015, MONDO:0100326.

gnomAD v4.1: 1 of 1,604,768 alleles (0.000062%); highest among the groups gnomAD compares: Non-Finnish European, 0.000085%; no homozygotes.

Submission:

ClinGen Platelet Disorders Variant Curation Expert Panel, ClinGen
Classification: Uncertain significance for Glanzmann thrombasthenia. Last evaluated: 2024-12-17. Review status: reviewed by expert panel. Criteria: ClinGen Platelet ACMG Specifications v2-1. Collection method: curation. Allele origin: germline. Inheritance: Autosomal recessive inheritance.
Comment: The NM_000419.5(ITGA2B):c.408+11C>A intronic variant has been reported in at least one patient (GT22 in PMID: 25728920) with this variant displayed mucocutaneous bleeding and impaired aggregation with all agonists except ristocetin, which is highly specific for Glanzmann thrombasthenia. Additionally, αIIbβ3 surface expression was reduced to <5%, as measured by flow cytometry (PP4_strong). The highest population minor allele frequency in gnomAD v4.1 is 8.508e-7 (1/1175406 alleles) in the European non-Finnish population, which is lower than the ClinGen PD VCEP threshold (<0.0001; PM2_Supporting). In summary this variant meets criteria to be classified as uncertain significance for autosomal recessive Glanzmann Thrombasthenia based on the ACMG/AMP criteria applied, as specified by the ClinGen PD VCEP: PP4_strong, PM2_supporting. (VCEP specifications version 2.1)